The following is an entry in ClinVar:

NM_003764.4(STX11):c.761A>C (p.Asp254Ala)

Gene: STX11 (syntaxin 11; plus strand). Cytogenetic location: 6q24.2.
Variant type: single nucleotide variant.
Coding change: c.761A>C on transcript NM_003764.4 (MANE Select); coding-DNA position 761, A replaced by C.
Protein change: p.Asp254Ala; replaces aspartic acid 254 with alanine.
Molecular consequence: missense variant.
Genome position (GRCh38, 1-based): chr6:144,187,388, A>C. VCF-style: chr6-144187388-A-C. GRCh37 (hg19) VCF-style: chr6-144508525-A-C.
Other names: short protein forms D254A.
Identifiers: ClinVar variation 2090631 (VCV002090631.4), dbSNP rs2533806273, ClinGen allele CA365950058.

ClinVar aggregate classification (germline): Uncertain significance (1 of 4 stars; one submission).

Conditions:
Familial hemophagocytic lymphohistiocytosis 4 (FHL4). Also called: STX11-Related Familial Hemophagocytic Lymphohistiocytosis (STX11-fHLH). Identifiers: Orphanet 540, MedGen C1863728, MONDO:0011336, OMIM 603552.

Allele frequency attached by ClinVar (database versions not stated): gnomAD exomes below 0.00001.

Submission:

Labcorp Genetics (formerly Invitae), Labcorp
Classification: Uncertain significance for Familial hemophagocytic lymphohistiocytosis 4. Last evaluated: 2024-12-02. Review status: criteria provided, single submitter. Criteria: Invitae Variant Classification Sherloc (09022015). Collection method: clinical testing. Allele origin: germline.
Comment: This sequence change replaces aspartic acid, which is acidic and polar, with alanine, which is neutral and non-polar, at codon 254 of the STX11 protein (p.Asp254Ala). This variant is not present in population databases (gnomAD no frequency). This variant has not been reported in the literature in individuals affected with STX11-related conditions. ClinVar contains an entry for this variant (Variation ID: 2090631). Invitae Evidence Modeling of protein sequence and biophysical properties (such as structural, functional, and spatial information, amino acid conservation, physicochemical variation, residue mobility, and thermodynamic stability) indicates that this missense variant is not expected to disrupt STX11 protein function with a negative predictive value of 80%. In summary, the available evidence is currently insufficient to determine the role of this variant in disease. Therefore, it has been classified as a Variant of Uncertain Significance.